The following is an entry in ClinVar:

NM_001081.4(CUBN):c.1526del (p.Gly509fs)

Gene: CUBN (cubilin; minus strand). Cytogenetic location: 10p13.
Variant type: Deletion.
Coding change: c.1526del on transcript NM_001081.4 (MANE Select); coding-DNA position 1526, one base deleted (G; older notation c.1526delG).
Protein change: p.Gly509fs; shifts the reading frame from glycine 509.
Molecular consequence: frameshift variant.
Genome position (GRCh38, 1-based): chr10:17,103,129, C deleted on the plus strand (G on the coding strand, the reverse complement: CUBN is on the minus strand); the first of 3 consecutive C bases (chr10:17,103,129-17,103,131); deleting any one gives the same sequence. VCF-style (leftmost placement, unchanged base first): chr10-17103128-TC-T. GRCh37 (hg19) VCF-style: chr10-17145127-TC-T.
Other names: c.1526delG (NM_001081.3); short protein forms G509fs.
Identifiers: ClinVar variation 56320 (VCV000056320.2), dbSNP rs386833768, ClinGen allele CA144250.

ClinVar aggregate classification (germline): Likely pathogenic (0 of 4 stars; one submission).

Conditions:
Imerslund-Grasbeck syndrome. Also called: PERNICIOUS ANEMIA, JUVENILE, DUE TO SELECTIVE INTESTINAL MALABSORPTION OF VITAMIN B12, WITH PROTEINURIA; Megaloblastic anemia due to inborn errors of metabolism; Imerslund-Gräsbeck syndrome; ENTEROCYTE COBALAMIN MALABSORPTION; ENTEROCYTE INTRINSIC FACTOR RECEPTOR, DEFECT OF. Identifiers: Orphanet 35858, MedGen C4551825, MONDO:0009853.

Submission:

Juha Muilu Group; Institute for Molecular Medicine Finland (FIMM)
Classification: Likely pathogenic for Megaloblastic anemia due to inborn errors of metabolism. Review status: no assertion criteria provided. Collection method: not provided. Allele origin: unknown.
Comment: FinDis database variant: This variant was not found or characterized by our laboratory, data were collected from public sources: see reference
ClinVar note: Converted during submission from probable-pathogenic to Likely pathogenic.